The following is an entry in ClinVar:

NM_031293.3(PMFBP1):c.512T>G (p.Ile171Ser)

Gene: PMFBP1 (polyamine modulated factor 1 binding protein 1; minus strand). Cytogenetic location: 16q22.2.
Variant type: single nucleotide variant.
Coding change: c.512T>G on transcript NM_031293.3 (MANE Select); coding-DNA position 512, T replaced by G.
Protein change: p.Ile171Ser; replaces isoleucine 171 with serine.
Molecular consequence: missense variant.
Genome position (GRCh38, 1-based): chr16:72,150,732, A>C on the plus strand (T>G on the coding strand, the complement: PMFBP1 is on the minus strand). VCF-style: chr16-72150732-A-C. GRCh37 (hg19) VCF-style: chr16-72184631-A-C.
Other names: c.77T>G, p.Ile26Ser (NM_001160213.2); short protein forms I171S, I26S.
Identifiers: ClinVar variation 3042510 (VCV003042510.2), dbSNP rs117953773, ClinGen allele CA8161985.
Genomic context (GRCh38, chr16:72,150,732, plus strand): 5'-TTGCTCAGGGAAGACTGGTATTTATCCCTGTAGAGGTTTAAGCTCCTCTCTAGAGAGGCG[A>C]TCTTGTCCCCGGCCAAGGCGAGTTGCTCCTGCGCCAAATGGAGCTTCTCCCCTGTGTTCT-3'
Protein context (NP_112583.2, residues 161-181): QEQLALAGDK[Ile171Ser]ASLERSLNLY

ClinVar aggregate classification (germline): Benign (0 of 4 stars; one submission).

Conditions:
PMFBP1-related disorder. Also called: PMFBP1-related condition.

Allele frequency attached by ClinVar (database versions not stated): ESP Exome Variant Server 0.00008; ExAC 0.00194; 1000 Genomes Project 30x 0.00640; 1000 Genomes Project 0.00679.
gnomAD v4.1: 1,234 of 1,614,150 alleles (0.076%); highest among the groups gnomAD compares: East Asian, 2.5%; 15 homozygotes.

Submission:

PreventionGenetics, part of Exact Sciences
Classification: Benign for PMFBP1-related condition. Last evaluated: 2019-09-12. Review status: no assertion criteria provided. Collection method: clinical testing. Allele origin: germline.
Comment: This variant is classified as benign based on ACMG/AMP sequence variant interpretation guidelines (Richards et al. 2015 PMID: 25741868, with internal and published modifications).